The following is an entry in ClinVar:

ClinVar aggregate classification (germline): Uncertain significance (1 of 4 stars; one submission).

Conditions:
Cardiovascular phenotype. Identifiers: MedGen CN230736.

gnomAD v4.1: 2 of 1,614,052 alleles (0.00012%); highest among the groups gnomAD compares: Non-Finnish European, 0.000085%; no homozygotes.

Submission:

Ambry Genetics
Classification: Uncertain significance for Cardiovascular phenotype. Last evaluated: 2021-04-12. Review status: criteria provided, single submitter. Criteria: Ambry Variant Classification Scheme 2023. Collection method: clinical testing. Allele origin: germline.
Comment: The p.R91L variant (also known as c.272G>T), located in coding exon 3 of the SCN3B gene, results from a G to T substitution at nucleotide position 272. The arginine at codon 91 is replaced by leucine, an amino acid with dissimilar properties. This amino acid position is highly conserved in available vertebrate species. In addition, this alteration is predicted to be deleterious by in silico analysis. Since supporting evidence is limited at this time, the clinical significance of this alteration remains unclear.

NM_001040151.2(SCN3B):c.272G>T (p.Arg91Leu)

Gene: SCN3B (sodium voltage-gated channel beta subunit 3; minus strand). Cytogenetic location: 11q24.1.
Variant type: single nucleotide variant.
Coding change: c.272G>T on transcript NM_001040151.2 (MANE Select); coding-DNA position 272, G replaced by T.
Protein change: p.Arg91Leu; replaces arginine 91 with leucine.
Molecular consequence: missense variant.
Genome position (GRCh38, 1-based): chr11:123,642,619, C>A on the plus strand (G>T on the coding strand, the complement: SCN3B is on the minus strand). VCF-style: chr11-123642619-C-A. GRCh37 (hg19) VCF-style: chr11-123513327-C-A.
Other names: c.272G>T, p.Arg91Leu (NM_018400.4); short protein forms R91L.
Identifiers: ClinVar variation 1795280 (VCV001795280.2), dbSNP rs756913203, ClinGen allele CA383072391.